The following is an entry in ClinVar:

NM_002880.4(RAF1):c.802A>G (p.Thr268Ala)

Gene: RAF1 (Raf-1 proto-oncogene, serine/threonine kinase; minus strand). Cytogenetic location: 3p25.2.
Variant type: single nucleotide variant.
Coding change: c.802A>G on transcript NM_002880.4 (MANE Select); coding-DNA position 802, A replaced by G.
Protein change: p.Thr268Ala; replaces threonine 268 with alanine.
Molecular consequence: missense variant. On other transcripts: non-coding transcript variant (3).
Genome position (GRCh38, 1-based): chr3:12,604,168, T>C on the plus strand (A>G on the coding strand, the complement: RAF1 is on the minus strand). VCF-style: chr3-12604168-T-C. GRCh37 (hg19) VCF-style: chr3-12645667-T-C.
Other names: c.802A>G, p.Thr268Ala (NM_001354689.3, NM_001354690.3); c.559A>G, p.Thr187Ala (NM_001354691.3, NM_001354692.3, NM_001354694.3); c.703A>G, p.Thr235Ala (NM_001354693.3); c.460A>G, p.Thr154Ala (NM_001354695.3); short protein forms T268A, T154A, T235A, T187A.
Identifiers: ClinVar variation 496186 (VCV000496186.2), dbSNP rs1553613743, ClinGen allele CA351512194.

ClinVar aggregate classification (germline): Uncertain significance. Review status: criteria provided, multiple submitters, no conflicts (2 of 4 stars). 2 submissions from 2 submitters: Uncertain significance (2). Last evaluated 2024-11-04.

Conditions:
Cardiovascular phenotype. Identifiers: MedGen CN230736.

Submissions (2):

Ambry Genetics
Classification: Uncertain significance for Cardiovascular phenotype. Last evaluated: 2024-11-04. Review status: criteria provided, single submitter. Criteria: Ambry Variant Classification Scheme 2023. Collection method: clinical testing. Allele origin: germline.

Women's Health and Genetics/Laboratory Corporation of America, LabCorp
Classification: Uncertain significance. Last evaluated: 2017-04-17. Review status: criteria provided, single submitter. Criteria: LabCorp Variant Classification Summary - May 2015. Collection method: clinical testing. Allele origin: germline.
Comment: Variant summary: The RAF1 c.802A>G (p.Thr268Ala) variant involves the alteration of a conserved nucleotide. 3/4 in silico tools predict a damaging outcome for this variant (SNPs&GO not captured due to low reliability index). This variant is absent in 121404 control chromosomes. The variant has not, to our knowledge, been reported in affected individuals in the literature or by reputable databases/clinical labs. Because of the absence of clinical information and the lack of functional studies, the variant is classified as a variant of uncertain significance (VUS) until additional information becomes available.

Literature cited by the submitters: PubMed 10801448 (cited by Women's Health and Genetics/Laboratory Corporation of America, LabCorp); PubMed 9933647 (cited by Women's Health and Genetics/Laboratory Corporation of America, LabCorp).